The following is an entry in ClinVar:

NM_000426.4(LAMA2):c.436T>A (p.Ser146Thr)

Gene: LAMA2 (laminin subunit alpha 2; plus strand). Cytogenetic location: 6q22.33.
Variant type: single nucleotide variant.
Coding change: c.436T>A on transcript NM_000426.4 (MANE Select); coding-DNA position 436, T replaced by A.
Protein change: p.Ser146Thr; replaces serine 146 with threonine.
Molecular consequence: missense variant.
Genome position (GRCh38, 1-based): chr6:129,098,212, T>A. VCF-style: chr6-129098212-T-A. GRCh37 (hg19) VCF-style: chr6-129419357-T-A.
Other names: c.436T>A, p.Ser146Thr (NM_001079823.2); short protein forms S146T.
Identifiers: ClinVar variation 1949651 (VCV001949651.2), dbSNP rs1337953924, ClinGen allele CA365829122.

ClinVar aggregate classification (germline): Uncertain significance (1 of 4 stars; one submission).

Conditions:
LAMA2-related muscular dystrophy (LAMA2-RD). Also called: Laminin alpha 2-related dystrophy. Identifiers: MedGen C5679788, MONDO:0100228.

Allele frequency attached by ClinVar (database versions not stated): gnomAD exomes below 0.00001.
gnomAD v4.1: 2 of 1,613,932 alleles (0.00012%); highest among the groups gnomAD compares: Admixed American, 0.0033%; no homozygotes.

Submission:

Labcorp Genetics (formerly Invitae), Labcorp
Classification: Uncertain significance for LAMA2-related muscular dystrophy. Last evaluated: 2022-06-28. Review status: criteria provided, single submitter. Criteria: Invitae Variant Classification Sherloc (09022015). Collection method: clinical testing. Allele origin: germline.
Comment: This sequence change replaces serine, which is neutral and polar, with threonine, which is neutral and polar, at codon 146 of the LAMA2 protein (p.Ser146Thr). This variant is present in population databases (no rsID available, gnomAD 0.006%). This variant has not been reported in the literature in individuals affected with LAMA2-related conditions. Advanced modeling of protein sequence and biophysical properties (such as structural, functional, and spatial information, amino acid conservation, physicochemical variation, residue mobility, and thermodynamic stability) performed at Invitae indicates that this missense variant is not expected to disrupt LAMA2 protein function. In summary, the available evidence is currently insufficient to determine the role of this variant in disease. Therefore, it has been classified as a Variant of Uncertain Significance.